The following is an entry in ClinVar:

ClinVar aggregate classification (germline): Conflicting classifications of pathogenicity. Review status: criteria provided, conflicting classifications (1 of 4 stars). 2 submissions from 2 submitters: Uncertain significance (1); Likely benign (1). Last evaluated 2025-08-29.

Allele frequency attached by ClinVar (database versions not stated): gnomAD exomes 0.00040; ExAC 0.00091; 1000 Genomes Project 0.00260; gnomAD 0.00260; 1000 Genomes Project 30x 0.00265; ESP Exome Variant Server 0.00269; TOPMed 0.00292.
gnomAD v4.1: 1,022 of 1,613,794 alleles (0.063%); highest among the groups gnomAD compares: African/African-American, 0.84%; 4 homozygotes.

Submissions (2):

Ambry Genetics
Classification: Uncertain significance. Last evaluated: 2025-08-29. Review status: criteria provided, single submitter. Criteria: Ambry Variant Classification Scheme 2023. Collection method: clinical testing. Allele origin: germline.

CeGaT Center for Human Genetics Tuebingen
Classification: Likely benign. Last evaluated: 2022-12-01. Review status: criteria provided, single submitter. Criteria: CeGaT Center For Human Genetics Tuebingen Variant Classification Criteria Version 2. Collection method: clinical testing. Allele origin: germline. Affected: yes. Observed: 1 variant allele.
Comment: MDH1B: BS2

NM_001039845.3(MDH1B):c.257T>C (p.Leu86Pro)

Gene: MDH1B (malate dehydrogenase 1B; minus strand). Cytogenetic location: 2q33.3.
Variant type: single nucleotide variant.
Coding change: c.257T>C on transcript NM_001039845.3 (MANE Select); coding-DNA position 257, T replaced by C.
Protein change: p.Leu86Pro; replaces leucine 86 with proline.
Molecular consequence: missense variant. On other transcripts: 5 prime UTR variant (4), non-coding transcript variant (3).
Genome position (GRCh38, 1-based): chr2:206,757,250, A>G on the plus strand (T>C on the coding strand, the complement: MDH1B is on the minus strand). VCF-style: chr2-206757250-A-G. GRCh37 (hg19) VCF-style: chr2-207621974-A-G.
Other names: c.257T>C (NM_001039845.1); c.257T>C, p.Leu86Pro (NM_001282940.2); c.-38T>C (NM_001330223.2, NM_001330226.2); c.-204T>C (NM_001330224.2, NM_001330225.2); short protein forms L86P.
Identifiers: ClinVar variation 2651845 (VCV002651845.25), dbSNP rs144049751, ClinGen allele CA2074706.